The following is an entry in ClinVar:

ClinVar aggregate classification (germline): Benign/Likely benign. Review status: criteria provided, multiple submitters, no conflicts (2 of 4 stars). 3 submissions from 3 submitters: Benign (2); Likely benign (1). Last evaluated 2025-04-09.

Allele frequency attached by ClinVar (database versions not stated): gnomAD exomes 0.00208; ExAC 0.00257; gnomAD 0.00810 and 0.00869; ESP Exome Variant Server 0.00892; TOPMed 0.00926; 1000 Genomes Project 0.00938; 1000 Genomes Project 30x 0.01031.
gnomAD v4.1: 2,425 of 1,585,702 alleles (0.15%); highest among the groups gnomAD compares: African/African-American, 2.9%; 32 homozygotes.

Submissions (3):

Molecular Diagnostic Laboratory for Inherited Cardiovascular Disease, Montreal Heart Institute
Classification: Likely benign. Last evaluated: 2025-04-09. Review status: criteria provided, single submitter. Criteria: ACMG Guidelines, 2015. Collection method: clinical testing. Allele origin: germline. Affected: no.
Comment: BS1;BP4;BP6

Labcorp Genetics (formerly Invitae), Labcorp
Classification: Benign. Last evaluated: 2019-12-31. Review status: criteria provided, single submitter. Criteria: Invitae Variant Classification Sherloc (09022015). Collection method: clinical testing. Allele origin: germline.

Breakthrough Genomics
Classification: Benign. Review status: criteria provided, single submitter. Criteria: ACMG Guidelines, 2015. Collection method: not provided. Allele origin: germline. Inheritance: Autosomal recessive inheritance. Affected: yes.

NM_001199251.3(SGO1):c.512T>C (p.Val171Ala)

Genes: SGO1-AS1 (SGO1 antisense RNA 1; plus strand), SGO1 (shugoshin 1; minus strand). Cytogenetic location: 3p24.3.
Variant type: single nucleotide variant.
Coding change: c.512T>C on transcript NM_001199251.3 (MANE Select); coding-DNA position 512, T replaced by C.
Protein change: p.Val171Ala; replaces valine 171 with alanine.
Molecular consequence: missense variant. On other transcripts: non-coding transcript variant (1), intron variant (4).
Genome position (GRCh38, 1-based): chr3:20,175,019, A>G on the plus strand (T>C on the coding strand, the complement: SGO1 is on the minus strand). VCF-style: chr3-20175019-A-G. GRCh37 (hg19) VCF-style: chr3-20216511-A-G.
Other names: c.512T>C, p.Val171Ala (NM_001012409.4, NM_001012410.5, NM_001012411.4 and 5 more transcripts); c.475+1582T>C (NM_138484.5, NM_001199256.3, NM_001012413.4 and 1 more transcripts); short protein forms V171A.
Identifiers: ClinVar variation 382303 (VCV000382303.6), dbSNP rs6806241, ClinGen allele CA2285295.